The following is an entry in ClinVar:

NM_015073.3(SIPA1L3):c.2238C>T (p.His746=)

Gene: SIPA1L3 (signal induced proliferation associated 1 like 3; plus strand). Cytogenetic location: 19q13.13.
Variant type: single nucleotide variant.
Coding change: c.2238C>T on transcript NM_015073.3 (MANE Select); coding-DNA position 2238, C replaced by T.
Protein change: p.His746=; no amino-acid change (histidine 746 retained).
Molecular consequence: synonymous variant.
Genome position (GRCh38, 1-based): chr19:38,110,331, C>T. VCF-style: chr19-38110331-C-T. GRCh37 (hg19) VCF-style: chr19-38600971-C-T.
Identifiers: ClinVar variation 3047607 (VCV003047607.2), dbSNP rs754538272, ClinGen allele CA9409633.
Genomic context (GRCh38, chr19:38,110,331, plus strand): 5'-CTTCCAGGAGCCTGGCGCGCTACCGTTCACCCCCAAGAACATCCGCTCCCACTTCCAGCA[C>T]GTCTTCATCATTGTCCGAGTCCACAACCCCTGCACTGATAACGTCTGTTACAGGTATGCC-3'
Protein context (NP_055888.1, residues 736-756): TPKNIRSHFQ[His746=]VFIIVRVHNP

ClinVar aggregate classification (germline): Likely benign (0 of 4 stars; one submission).

Conditions:
SIPA1L3-related disorder. Also called: SIPA1L3-related condition.

Allele frequency attached by ClinVar (database versions not stated): TOPMed 0.00002; gnomAD 0.00003.
gnomAD v4.1: 21 of 1,614,010 alleles (0.0013%); highest among the groups gnomAD compares: East Asian, 0.0045%; no homozygotes.

Submission:

PreventionGenetics, part of Exact Sciences
Classification: Likely benign for SIPA1L3-related condition. Last evaluated: 2019-03-20. Review status: no assertion criteria provided. Collection method: clinical testing. Allele origin: germline.
Comment: This variant is classified as likely benign based on ACMG/AMP sequence variant interpretation guidelines (Richards et al. 2015 PMID: 25741868, with internal and published modifications).